The following is an entry in ClinVar:

ClinVar aggregate classification (germline): Conflicting classifications of pathogenicity. Review status: criteria provided, conflicting classifications (1 of 4 stars). 5 submissions from 5 submitters: Uncertain significance (3); Likely benign (2). Last evaluated 2025-03-12.

Conditions:
ATP2A1-related disorder. Also called: ATP2A1-related condition.
Brody myopathy. Also called: BRODY DISEASE. Identifiers: Orphanet 53347, MedGen C1832918, MONDO:0010977, OMIM 601003.

Allele frequency attached by ClinVar (database versions not stated): gnomAD exomes 0.00010 and 0.00018; ExAC 0.00021; ESP Exome Variant Server 0.00077; gnomAD 0.00081 and 0.00084; TOPMed 0.00084; 1000 Genomes Project 0.00100; 1000 Genomes Project 30x 0.00125.
gnomAD v4.1: 280 of 1,612,480 alleles (0.017%); highest among the groups gnomAD compares: African/African-American, 0.28%; no homozygotes.

Submissions (5):

PreventionGenetics, part of Exact Sciences
Classification: Likely benign for ATP2A1-related condition. Last evaluated: 2025-03-12. Review status: criteria provided, single submitter. Criteria: ACMG Guidelines, 2015. Collection method: clinical testing. Allele origin: germline.
Comment: This variant is classified as likely benign based on ACMG/AMP sequence variant interpretation guidelines (Richards et al. 2015 PMID: 25741868, with internal and published modifications).

Revvity Omics, Revvity
Classification: Likely benign for Brody myopathy. Last evaluated: 2024-03-28. Review status: criteria provided, single submitter. Criteria: ACMG Guidelines, 2015. Collection method: clinical testing. Allele origin: germline.

Labcorp Genetics (formerly Invitae), Labcorp
Classification: Uncertain significance for Brody myopathy. Last evaluated: 2022-08-15. Review status: criteria provided, single submitter. Criteria: Invitae Variant Classification Sherloc (09022015). Collection method: clinical testing. Allele origin: germline.
Comment: This sequence change replaces threonine, which is neutral and polar, with methionine, which is neutral and non-polar, at codon 457 of the ATP2A1 protein (p.Thr457Met). This variant is present in population databases (rs138880727, gnomAD 0.2%). This variant has not been reported in the literature in individuals affected with ATP2A1-related conditions. ClinVar contains an entry for this variant (Variation ID: 392455). Algorithms developed to predict the effect of missense changes on protein structure and function are either unavailable or do not agree on the potential impact of this missense change (SIFT: "Deleterious"; PolyPhen-2: "Possibly Damaging"; Align-GVGD: "Class C0"). In summary, the available evidence is currently insufficient to determine the role of this variant in disease. Therefore, it has been classified as a Variant of Uncertain Significance.

GeneDx
Classification: Uncertain significance. Last evaluated: 2021-08-24. Review status: criteria provided, single submitter. Criteria: GeneDx Variant Classification Process June 2021. Collection method: clinical testing. Allele origin: germline. Affected: yes.
Comment: Missense variants in this gene are often considered pathogenic (Stenson et al., 2014); In silico analysis supports that this missense variant has a deleterious effect on protein structure/function; Has not been previously published as pathogenic or benign to our knowledge

Athena Diagnostics
Classification: Uncertain significance. Last evaluated: 2020-04-17. Review status: criteria provided, single submitter. Criteria: Athena Diagnostics Criteria. Collection method: clinical testing. Allele origin: unknown.

NM_004320.6(ATP2A1):c.1370C>T (p.Thr457Met)

Gene: ATP2A1 (ATPase sarcoplasmic/endoplasmic reticulum Ca2+ transporting 1; plus strand). Cytogenetic location: 16p11.2.
Variant type: single nucleotide variant.
Coding change: c.1370C>T on transcript NM_004320.6 (MANE Select); coding-DNA position 1370, C replaced by T.
Protein change: p.Thr457Met; replaces threonine 457 with methionine.
Molecular consequence: missense variant.
Genome position (GRCh38, 1-based): chr16:28,894,904, C>T. VCF-style: chr16-28894904-C-T. GRCh37 (hg19) VCF-style: chr16-28906225-C-T.
Other names: c.1370C>T (NM_173201.4); c.995C>T, p.Thr332Met (NM_001286075.2); c.1370C>T, p.Thr457Met (NM_173201.5); short protein forms T457M, T332M.
Identifiers: ClinVar variation 392455 (VCV000392455.13), dbSNP rs138880727, ClinGen allele CA7986940.